The following is an entry in ClinVar:

ClinVar aggregate classification (germline): Uncertain significance. Review status: criteria provided, multiple submitters, no conflicts (2 of 4 stars). 2 submissions from 2 submitters: Uncertain significance (2). Last evaluated 2023-08-13.

Conditions:
Protoporphyria, erythropoietic, 1 (EPP1). Also called: Erythropoietic Protoporphyria, Autosomal Recessive; FERROCHELATASE DEFICIENCY; HEME SYNTHETASE DEFICIENCY. Identifiers: Orphanet 79278, MedGen C4692546, MONDO:0008319, OMIM 177000.

Allele frequency attached by ClinVar (database versions not stated): gnomAD exomes below 0.00001.
gnomAD v4.1: 2 of 1,614,170 alleles (0.00012%); highest among the groups gnomAD compares: Admixed American, 0.0017%; no homozygotes.

Submissions (2):

3billion
Classification: Uncertain significance for Protoporphyria, erythropoietic, 1. Last evaluated: 2023-08-13. Review status: criteria provided, single submitter. Criteria: ACMG Guidelines, 2015. Collection method: clinical testing. Allele origin: germline. Affected: yes.
Comment: The variant is observed at an extremely low frequency in the gnomAD v2.1.1 dataset (total allele frequency: 0.000%). Predicted Consequence/Location: Missense variant In silico tool predictions suggest damaging effect of the variant on gene or gene product [REVEL: 0.89 (>=0.6, sensitivity 0.68 and specificity 0.92); 3Cnet: 0.91 (>=0.6, sensitivity 0.72 and precision 0.9)]. Therefore, this variant is classified as VUS according to the recommendation of ACMG/AMP guideline.

Labcorp Genetics (formerly Invitae), Labcorp
Classification: Uncertain significance. Last evaluated: 2023-03-28. Review status: criteria provided, single submitter. Criteria: Invitae Variant Classification Sherloc (09022015). Collection method: clinical testing. Allele origin: germline.
Comment: In summary, the available evidence is currently insufficient to determine the role of this variant in disease. Therefore, it has been classified as a Variant of Uncertain Significance. Advanced modeling of protein sequence and biophysical properties (such as structural, functional, and spatial information, amino acid conservation, physicochemical variation, residue mobility, and thermodynamic stability) performed at Invitae indicates that this missense variant is expected to disrupt FECH protein function. This variant has not been reported in the literature in individuals affected with FECH-related conditions. This variant is present in population databases (no rsID available, gnomAD 0.003%). This sequence change replaces serine, which is neutral and polar, with phenylalanine, which is neutral and non-polar, at codon 197 of the FECH protein (p.Ser197Phe).

NM_000140.5(FECH):c.590C>T (p.Ser197Phe)

Gene: FECH (ferrochelatase; minus strand). Cytogenetic location: 18q21.31.
Variant type: single nucleotide variant.
Coding change: c.590C>T on transcript NM_000140.5 (MANE Select); coding-DNA position 590, C replaced by T.
Protein change: p.Ser197Phe; replaces serine 197 with phenylalanine.
Molecular consequence: missense variant.
Genome position (GRCh38, 1-based): chr18:57,566,455, G>A on the plus strand (C>T on the coding strand, the complement: FECH is on the minus strand). VCF-style: chr18-57566455-G-A. GRCh37 (hg19) VCF-style: chr18-55233687-G-A.
Other names: c.608C>T, p.Ser203Phe (NM_001012515.4); c.590C>T, p.Ser197Phe (NM_001371094.1, NM_001374778.1); c.374C>T, p.Ser125Phe (NM_001371095.1); short protein forms S203F, S125F, S197F.
Identifiers: ClinVar variation 2787784 (VCV002787784.4), dbSNP rs1327813679, ClinGen allele CA402536090.